The following is an entry in ClinVar:

NM_020774.4(MIB1):c.1093-9T>C

Gene: MIB1 (MIB E3 ubiquitin protein ligase 1; plus strand). Cytogenetic location: 18q11.2.
Variant type: single nucleotide variant.
Coding change: c.1093-9T>C on transcript NM_020774.4 (MANE Select); 9 bases into the intron before coding-DNA position 1093, T replaced by C.
Molecular consequence: intron variant.
Genome position (GRCh38, 1-based): chr18:21,798,075, T>C. VCF-style: chr18-21798075-T-C. GRCh37 (hg19) VCF-style: chr18-19378036-T-C.
Identifiers: ClinVar variation 513052 (VCV000513052.1), dbSNP rs762889843, ClinGen allele CA8908217.
Genomic context (GRCh38, chr18:21,798,075, plus strand): 5'-AAAAACTAGTGATTGACTTTATGGTATATACTTTAGACTTGGAAACATGAATCTATTTTT[T>C]TCCCCAAGACTTTAGGTAAAGTTGGCCGAGTACAACAGATTTATTCAGACAGTGATTTAA-3'

ClinVar aggregate classification (germline): Likely benign (1 of 4 stars; one submission).

Allele frequency attached by ClinVar (database versions not stated): ExAC 0.00002; gnomAD exomes 0.00004; gnomAD 0.00007 and 0.00009; TOPMed 0.00008.
gnomAD v4.1: 43 of 1,611,914 alleles (0.0027%); highest among the groups gnomAD compares: Admixed American, 0.03%; no homozygotes.

Submission:

GeneDx
Classification: Likely benign. Last evaluated: 2017-11-09. Review status: criteria provided, single submitter. Criteria: GeneDx Variant Classification (06012015). Collection method: clinical testing. Allele origin: germline. Affected: yes.
Comment: This variant is considered likely benign or benign based on one or more of the following criteria: it is a conservative change, it occurs at a poorly conserved position in the protein, it is predicted to be benign by multiple in silico algorithms, and/or has population frequency not consistent with disease.